The following is an entry in ClinVar:

ClinVar aggregate classification (germline): Uncertain significance. Review status: criteria provided, multiple submitters, no conflicts (2 of 4 stars). 3 submissions from 3 submitters: Uncertain significance (3). Last evaluated 2026-06-01.

Conditions:
Cardiomyopathy (CMYO). Also called: Cardiomyopathies. Identifiers: Orphanet 167848, MedGen C0878544, MONDO:0004994, HP:0001638. Inheritance: Various modes of inheritance.
Charcot-Marie-Tooth disease type 2. Also called: Charcot-Marie-Tooth type 2. Identifiers: Orphanet 64746, MedGen C0270914, MONDO:0018993.

Allele frequency attached by ClinVar (database versions not stated): gnomAD exomes below 0.00001.
gnomAD v4.1: 1 of 1,613,330 alleles (0.000062%); highest among the groups gnomAD compares: Non-Finnish European, 0.000085%; no homozygotes.

Submissions (3):

CeGaT Center for Human Genetics Tuebingen
Classification: Uncertain significance. Last evaluated: 2026-06-01. Review status: criteria provided, single submitter. Criteria: CeGaT Center For Human Genetics Tuebingen Variant Classification Criteria Version 2. Collection method: clinical testing. Allele origin: germline. Affected: yes. Observed: 1 variant allele.
Comment: LMNA: PM2

Labcorp Genetics (formerly Invitae), Labcorp
Classification: Uncertain significance for Charcot-Marie-Tooth disease type 2. Last evaluated: 2021-03-26. Review status: criteria provided, single submitter. Criteria: Invitae Variant Classification Sherloc (09022015). Collection method: clinical testing. Allele origin: germline.
Comment: In summary, the available evidence is currently insufficient to determine the role of this variant in disease. Therefore, it has been classified as a Variant of Uncertain Significance. Algorithms developed to predict the effect of missense changes on protein structure and function are either unavailable or do not agree on the potential impact of this missense change (SIFT: "Deleterious"; PolyPhen-2: "Possibly Damaging"; Align-GVGD: "Class C15"). This variant has not been reported in the literature in individuals with LMNA-related conditions. ClinVar contains an entry for this variant (Variation ID: 918890). This variant is not present in population databases (ExAC no frequency). This sequence change replaces serine with phenylalanine at codon 612 of the LMNA protein (p.Ser612Phe). The serine residue is highly conserved and there is a large physicochemical difference between serine and phenylalanine.

Color Diagnostics, LLC DBA Color Health
Classification: Uncertain significance for Cardiomyopathy. Last evaluated: 2019-11-27. Review status: criteria provided, single submitter. Criteria: ACMG Guidelines, 2015. Collection method: clinical testing. Allele origin: germline.
Comment: This missense variant replaces serine with phenylalanine at codon 612 of the lamin A/C proteins. Computational prediction suggests that this variant may not impact protein structure and function (internally defined REVEL score threshold <= 0.5, PMID: 27666373). Splice site prediction tools suggest that this variant may not impact RNA splicing. To our knowledge, functional studies have not been performed for this variant. This variant has not been reported in individuals affected with cardiovascular disorders in the literature. This variant has not been identified in the general population by the Genome Aggregation Database (gnomAD). The available evidence is insufficient to determine the role of this variant in disease conclusively. Therefore, this variant is classified as a Variant of Uncertain Significance.

NM_170707.4(LMNA):c.1835C>T (p.Ser612Phe)

Gene: LMNA (lamin A/C; plus strand). Cytogenetic location: 1q22.
Variant type: single nucleotide variant.
Coding change: c.1835C>T on transcript NM_170707.4 (MANE Select); coding-DNA position 1835, C replaced by T.
Protein change: p.Ser612Phe; replaces serine 612 with phenylalanine.
Molecular consequence: missense variant. On other transcripts: intron variant (1).
Genome position (GRCh38, 1-based): chr1:156,138,624, C>T. VCF-style: chr1-156138624-C-T. GRCh37 (hg19) VCF-style: chr1-156108415-C-T.
Other names: c.1499C>T, p.Ser500Phe (NM_001257374.3); c.1745C>T, p.Ser582Phe (NM_170708.4); c.1818+17C>T (NM_001282626.2); short protein forms S612F, S500F, S582F.
Identifiers: ClinVar variation 918890 (VCV000918890.12), dbSNP rs1651868666, ClinGen allele CA342827217.